The following is an entry in ClinVar:

NM_001040108.2(MLH3):c.3799G>A (p.Val1267Met)

Gene: MLH3 (mutL homolog 3; minus strand). Cytogenetic location: 14q24.3.
Variant type: single nucleotide variant.
Coding change: c.3799G>A on transcript NM_001040108.2 (MANE Select); coding-DNA position 3799, G replaced by A.
Protein change: p.Val1267Met; replaces valine 1267 with methionine.
Molecular consequence: missense variant.
Genome position (GRCh38, 1-based): chr14:75,032,096, C>T on the plus strand (G>A on the coding strand, the complement: MLH3 is on the minus strand). VCF-style: chr14-75032096-C-T. GRCh37 (hg19) VCF-style: chr14-75498799-C-T.
Other names: c.3727G>A, p.Val1243Met (NM_014381.3); short protein forms V1243M, V1267M.
Identifiers: ClinVar variation 835114 (VCV000835114.9), dbSNP rs1019973266, ClinGen allele CA263639408.

ClinVar aggregate classification (germline): Uncertain significance (1 of 4 stars; one submission).

Conditions:
Colorectal cancer, hereditary nonpolyposis, type 7. Identifiers: Orphanet 144, MedGen C1858380, MONDO:0013725, OMIM 614385.

Submission:

Labcorp Genetics (formerly Invitae), Labcorp
Classification: Uncertain significance for Colorectal cancer, hereditary nonpolyposis, type 7. Last evaluated: 2020-02-26. Review status: criteria provided, single submitter. Criteria: Invitae Variant Classification Sherloc (09022015). Collection method: clinical testing. Allele origin: germline.
Comment: In summary, the available evidence is currently insufficient to determine the role of this variant in disease. Therefore, it has been classified as a Variant of Uncertain Significance. Algorithms developed to predict the effect of missense changes on protein structure and function are either unavailable or do not agree on the potential impact of this missense change (SIFT: "Deleterious"; PolyPhen-2: "Probably Damaging"; Align-GVGD: "Class C15"). This variant has not been reported in the literature in individuals with MLH3-related conditions. This variant is not present in population databases (ExAC no frequency). This sequence change replaces valine with methionine at codon 1267 of the MLH3 protein (p.Val1267Met). The valine residue is highly conserved and there is a small physicochemical difference between valine and methionine.